The following is an entry in ClinVar:

ClinVar aggregate classification (germline): Uncertain significance (1 of 4 stars; one submission).

Conditions:
Cataract 15 multiple types. Also called: CATARACT 15, LAMELLAR WITH SUTURAL OPACITIES. Identifiers: Orphanet 91492, MedGen C3809001, MONDO:0014110, OMIM 615274.

Submission:

Labcorp Genetics (formerly Invitae), Labcorp
Classification: Uncertain significance for Cataract 15 multiple types. Last evaluated: 2022-05-10. Review status: criteria provided, single submitter. Criteria: Invitae Variant Classification Sherloc (09022015). Collection method: clinical testing. Allele origin: germline.
Comment: In summary, the available evidence is currently insufficient to determine the role of this variant in disease. Therefore, it has been classified as a Variant of Uncertain Significance. This variant is not present in population databases (gnomAD no frequency). Algorithms developed to predict the effect of missense changes on protein structure and function output the following: SIFT: "Tolerated"; PolyPhen-2: "Benign"; Align-GVGD: "Class C0". The alanine amino acid residue is found in multiple mammalian species, which suggests that this missense change does not adversely affect protein function. This variant has not been reported in the literature in individuals affected with MIP-related conditions. This sequence change replaces serine, which is neutral and polar, with alanine, which is neutral and non-polar, at codon 58 of the MIP protein (p.Ser58Ala).

NM_012064.4(MIP):c.172T>G (p.Ser58Ala)

Gene: MIP (major intrinsic protein of lens fiber; minus strand). Cytogenetic location: 12q13.3.
Variant type: single nucleotide variant.
Coding change: c.172T>G on transcript NM_012064.4 (MANE Select); coding-DNA position 172, T replaced by G.
Protein change: p.Ser58Ala; replaces serine 58 with alanine.
Molecular consequence: missense variant.
Genome position (GRCh38, 1-based): chr12:56,454,442, A>C on the plus strand (T>G on the coding strand, the complement: MIP is on the minus strand). VCF-style: chr12-56454442-A-C. GRCh37 (hg19) VCF-style: chr12-56848226-A-C.
Other names: short protein forms S58A.
Identifiers: ClinVar variation 1992634 (VCV001992634.4), dbSNP rs2547313773, ClinGen allele CA385274104.
Genomic context (GRCh38, chr12:56,454,442, plus strand): 5'-CCACAAGGAAAGCAAAAGTGACTGCAGGATTGACGTGGGCTCCACTGATGTGGCCCACAG[A>C]CTGCACCAGTGTAGCCAGGGCCAAGCCAAATGCCATAGCCACCTGCAGAACATGCAGGGG-3'
Protein context (NP_036196.1, residues 48-68): FGLALATLVQ[Ser58Ala]VGHISGAHVN